The following is an entry in ClinVar:

ClinVar aggregate classification (germline): Uncertain significance (1 of 4 stars; one submission).

Submission:

Labcorp Genetics (formerly Invitae), Labcorp
Classification: Uncertain significance. Last evaluated: 2024-12-31. Review status: criteria provided, single submitter. Criteria: Invitae Variant Classification Sherloc (09022015). Collection method: clinical testing. Allele origin: germline.
Comment: This sequence change creates a premature translational stop signal (p.Lys191Alafs*19) in the ANKRD26 gene. It is expected to result in an absent or disrupted protein product. However, the current clinical and genetic evidence is not sufficient to establish whether loss-of-function variants in ANKRD26 cause disease. This variant is not present in population databases (gnomAD no frequency). This variant has not been reported in the literature in individuals affected with ANKRD26-related conditions. In summary, the available evidence is currently insufficient to determine the role of this variant in disease. Therefore, it has been classified as a Variant of Uncertain Significance.

NM_014915.3(ANKRD26):c.571_572del (p.Lys191fs)

Gene: ANKRD26 (ankyrin repeat domain 26; minus strand). Cytogenetic location: 10p12.1.
Variant type: Deletion.
Coding change: c.571_572del on transcript NM_014915.3 (MANE Select); coding-DNA positions 571 to 572, 2 bases deleted (AA; older notation c.571_572delAA).
Protein change: p.Lys191fs; shifts the reading frame from lysine 191.
Molecular consequence: frameshift variant.
Genome position (GRCh38, 1-based): chr10:27,092,472-27,092,473, TT deleted on the plus strand (AA on the coding strand, the reverse complement: ANKRD26 is on the minus strand); deleting any 2 consecutive bases within chr10:27,092,472-27,092,477 gives the same sequence; the c. name uses the placement nearest the transcript's 3' end. VCF-style (leftmost placement, unchanged base first): chr10-27092471-CTT-C. GRCh37 (hg19) VCF-style: chr10-27381400-CTT-C.
Other names: c.571_572del, p.Lys191fs (NM_001256053.2); short protein forms K191fs.
Identifiers: ClinVar variation 3607417 (VCV003607417.2).
Genomic context (GRCh38, chr10:27,092,471, plus strand): 5'-CAACTTATCTACTGCATTTACATTTGCTTTTTTCTTTATTAAAAATTCCACCATTTGCTG[CTT>C]TTTTCCACTTACTGCAAGTAAAAGTGGTGTGAGGTCATCCTGTAAGACAGCAAAAACAAG-3'